The following is an entry in ClinVar:

NM_000038.6(APC):c.1936A>G (p.Ile646Val)

Gene: APC (APC regulator of Wnt signaling pathway; plus strand). Cytogenetic location: 5q22.2.
Variant type: single nucleotide variant.
Coding change: c.1936A>G on transcript NM_000038.6 (MANE Select); coding-DNA position 1936, A replaced by G.
Protein change: p.Ile646Val; replaces isoleucine 646 with valine.
Molecular consequence: missense variant.
Genome position (GRCh38, 1-based): chr5:112,835,143, A>G. VCF-style: chr5-112835143-A-G. GRCh37 (hg19) VCF-style: chr5-112170840-A-G.
Other names: c.1936A>G, p.Ile646Val (NM_001127510.3, NM_001354895.2); c.1882A>G, p.Ile628Val (NM_001127511.3); c.1990A>G, p.Ile664Val (NM_001354896.2); c.1966A>G, p.Ile656Val (NM_001354897.2); c.1861A>G, p.Ile621Val (NM_001354898.2); c.1852A>G, p.Ile618Val (NM_001354899.2); c.1813A>G, p.Ile605Val (NM_001354900.2); c.1759A>G, p.Ile587Val (NM_001354901.2); and 5 more; short protein forms I363V, I520V, I646V, I587V, I621V, I628V, I656V, I555V.
Identifiers: ClinVar variation 665662 (VCV000665662.11), dbSNP rs1580605187, ClinGen allele CA16025546.

ClinVar aggregate classification (germline): Uncertain significance. Review status: criteria provided, multiple submitters, no conflicts (2 of 4 stars). 2 submissions from 2 submitters: Uncertain significance (2). Last evaluated 2026-07-27.

Conditions:
Familial adenomatous polyposis 1 (FAP1). Also called: POLYPOSIS, ADENOMATOUS INTESTINAL; FAMILIAL ADENOMATOUS POLYPOSIS 1, ATTENUATED. Identifiers: MedGen C2713442, MONDO:0021056, OMIM 175100. Disease mechanism: loss of function.
Hereditary cancer-predisposing syndrome. Also called: Neoplastic Syndromes, Hereditary; Hereditary Cancer Syndrome; Hereditary neoplastic syndrome; Tumor predisposition. Identifiers: Orphanet 140162, MedGen C0027672, MeSH D009386, MONDO:0015356.

gnomAD v4.1: 1 of 1,614,070 alleles (0.000062%); highest among the groups gnomAD compares: Non-Finnish European, 0.000085%; no homozygotes.

Submissions (2):

Ambry Genetics
Classification: Uncertain significance for Hereditary cancer-predisposing syndrome. Last evaluated: 2026-07-27. Review status: criteria provided, single submitter. Criteria: Ambry Variant Classification Scheme 2023. Collection method: clinical testing. Allele origin: germline.
Comment: The p.I646V variant (also known as c.1936A>G), located in coding exon 14 of the APC gene, results from an A to G substitution at nucleotide position 1936. The isoleucine at codon 646 is replaced by valine, an amino acid with highly similar properties. This amino acid position is conserved. In addition, in silico predictors for this gene do not accurately predict pathogenicity. Based on the available evidence, the clinical significance of this variant remains unclear.

Labcorp Genetics (formerly Invitae), Labcorp
Classification: Uncertain significance for Familial adenomatous polyposis 1. Last evaluated: 2022-09-01. Review status: criteria provided, single submitter. Criteria: Invitae Variant Classification Sherloc (09022015). Collection method: clinical testing. Allele origin: germline.
Comment: In summary, the available evidence is currently insufficient to determine the role of this variant in disease. Therefore, it has been classified as a Variant of Uncertain Significance. Algorithms developed to predict the effect of missense changes on protein structure and function are either unavailable or do not agree on the potential impact of this missense change (SIFT: "Deleterious"; PolyPhen-2: "Benign"; Align-GVGD: "Class C25"). ClinVar contains an entry for this variant (Variation ID: 665662). This variant has not been reported in the literature in individuals affected with APC-related conditions. This variant is not present in population databases (gnomAD no frequency). This sequence change replaces isoleucine, which is neutral and non-polar, with valine, which is neutral and non-polar, at codon 646 of the APC protein (p.Ile646Val).